The following is an entry in ClinVar:

NM_001130823.3(DNMT1):c.25C>G (p.Arg9Gly)

Genes: DNMT1 (DNA methyltransferase 1; minus strand), LOC130063472 (ATAC-STARR-seq lymphoblastoid silent region 10057; plus strand). Cytogenetic location: 19p13.2.
Variant type: single nucleotide variant.
Coding change: c.25C>G on transcript NM_001130823.3 (MANE Select); coding-DNA position 25, C replaced by G.
Protein change: p.Arg9Gly; replaces arginine 9 with glycine.
Molecular consequence: missense variant. On other transcripts: 5 prime UTR variant (1).
Genome position (GRCh38, 1-based): chr19:10,194,875, G>C on the plus strand (C>G on the coding strand, the complement: DNMT1 is on the minus strand). VCF-style: chr19-10194875-G-C. GRCh37 (hg19) VCF-style: chr19-10305551-G-C.
Other names: c.25C>G, p.Arg9Gly (NM_001318730.2, NM_001379.4); c.-299C>G (NM_001318731.2); short protein forms R9G.
Identifiers: ClinVar variation 4706405 (VCV004706405.1).

ClinVar aggregate classification (germline): Uncertain significance (1 of 4 stars; one submission).

Conditions:
Hereditary sensory neuropathy-deafness-dementia syndrome. Also called: Hereditary Sensory and Autonomic Neuropathy Type 1E (HSAN1E); NEUROPATHY, HEREDITARY SENSORY, WITH HEARING LOSS AND DEMENTIA; Hereditary sensory neuropathy type IE; HSN IE. Identifiers: Orphanet 456318, MedGen C3279885, MONDO:0013584, OMIM 614116.

Submission:

Labcorp Genetics (formerly Invitae), Labcorp
Classification: Uncertain significance for Hereditary sensory neuropathy-deafness-dementia syndrome. Last evaluated: 2025-07-06. Review status: criteria provided, single submitter. Criteria: Invitae Variant Classification Sherloc (09022015). Collection method: clinical testing. Allele origin: germline.
Comment: This sequence change replaces arginine, which is basic and polar, with glycine, which is neutral and non-polar, at codon 9 of the DNMT1 protein (p.Arg9Gly). This variant is not present in population databases (gnomAD no frequency). This variant has not been reported in the literature in individuals affected with DNMT1-related conditions. An algorithm developed to predict the effect of missense changes on protein structure and function (PolyPhen-2) suggests that this variant is likely to be disruptive. In summary, the available evidence is currently insufficient to determine the role of this variant in disease. Therefore, it has been classified as a Variant of Uncertain Significance.